The following is an entry in ClinVar:

ClinVar aggregate classification (germline): Uncertain significance (1 of 4 stars; one submission).

gnomAD v4.1: 1 of 1,614,192 alleles (0.000062%); highest among the groups gnomAD compares: African/African-American, 0.0013%; no homozygotes.

Submission:

Labcorp Genetics (formerly Invitae), Labcorp
Classification: Uncertain significance. Last evaluated: 2024-03-27. Review status: criteria provided, single submitter. Criteria: Invitae Variant Classification Sherloc (09022015). Collection method: clinical testing. Allele origin: germline.
Comment: This sequence change replaces serine, which is neutral and polar, with tryptophan, which is neutral and slightly polar, at codon 386 of the MTOR protein (p.Ser386Trp). This variant is not present in population databases (gnomAD no frequency). This variant has not been reported in the literature in individuals affected with MTOR-related conditions. Advanced modeling of protein sequence and biophysical properties (such as structural, functional, and spatial information, amino acid conservation, physicochemical variation, residue mobility, and thermodynamic stability) performed at Invitae indicates that this missense variant is not expected to disrupt MTOR protein function with a negative predictive value of 95%. In summary, the available evidence is currently insufficient to determine the role of this variant in disease. Therefore, it has been classified as a Variant of Uncertain Significance.

NM_004958.4(MTOR):c.1157C>G (p.Ser386Trp)

Gene: MTOR (mechanistic target of rapamycin kinase; minus strand). Cytogenetic location: 1p36.22.
Variant type: single nucleotide variant.
Coding change: c.1157C>G on transcript NM_004958.4 (MANE Select); coding-DNA position 1157, C replaced by G.
Protein change: p.Ser386Trp; replaces serine 386 with tryptophan.
Molecular consequence: missense variant. On other transcripts: intron variant (1).
Genome position (GRCh38, 1-based): chr1:11,247,693, G>C on the plus strand (C>G on the coding strand, the complement: MTOR is on the minus strand). VCF-style: chr1-11247693-G-C. GRCh37 (hg19) VCF-style: chr1-11307750-G-C.
Other names: c.-24+126C>G (NM_001386501.1); c.1157C>G, p.Ser386Trp (NM_001386500.1); short protein forms S386W.
Identifiers: ClinVar variation 3685874 (VCV003685874.2).
Genomic context (GRCh38, chr1:11,247,693, plus strand): 5'-GCAGAAGGTCGGAATGCAGCCAAGCGGGGCAACAAATTAAGGATTGTCATTTGGATCAGC[G>C]AGTTCTTGCTATTCCTGCATTTCAGCACCCACTGGCACACCTGAGAGAGGAAGGATAAAG-3'
Protein context (NP_004949.1, residues 376-396): WVLKCRNSKN[Ser386Trp]LIQMTILNLL